The following is an entry in ClinVar:

ClinVar aggregate classification (germline): Pathogenic. Review status: criteria provided, multiple submitters, no conflicts (2 of 4 stars). 3 submissions from 3 submitters: Pathogenic (2). 1 of the submissions does not count toward it. Last evaluated 2023-10-01.

Conditions:
Retinitis pigmentosa 40 (RP40). Identifiers: Orphanet 791, MedGen C3151107, MONDO:0013429, OMIM 613801.
Retinal dystrophy. Also called: Inherited retinal dystrophy. Identifiers: Orphanet 71862, MedGen C0854723, MeSH D058499, MONDO:0019118, HP:0000556.

Submissions (3):

Dept Of Ophthalmology, Nagoya University
Classification: Pathogenic for Retinal dystrophy. Last evaluated: 2023-10-01. Review status: criteria provided, single submitter. Criteria: Submitter's publication. Collection method: research. Allele origin: germline. Affected: yes.

3billion
Classification: Pathogenic for Retinitis pigmentosa 40. Last evaluated: 2023-06-21. Review status: criteria provided, single submitter. Criteria: ACMG Guidelines, 2015. Collection method: clinical testing. Allele origin: germline. Affected: yes.
Comment: The variant is not observed in the gnomAD v2.1.1 dataset. Predicted Consequence/Location: Frameshift: predicted to result in a loss or disruption of normal protein function through nonsense-mediated decay (NMD) or protein truncation. Multiple pathogenic variants are reported downstream of the variant. The variant has been reported to be associated with PDE6B related disorder (ClinVar ID: VCV000013105 /PMID: 8394174). Therefore, this variant is classified as Pathogenic according to the recommendation of ACMG/AMP guideline.

OMIM
Classification: Pathogenic for RETINITIS PIGMENTOSA 40. Last evaluated: 1993-06-01. Review status: no assertion criteria provided. Collection method: literature only. Allele origin: germline. Not counted in ClinVar's aggregate classification.

Literature cited by the submitters: PubMed 8394174 (cited by 3billion and OMIM).

NM_000283.4(PDE6B):c.1488del (p.Thr497fs)

Gene: PDE6B (phosphodiesterase 6B; plus strand). Cytogenetic location: 4p16.3.
Variant type: Deletion.
Coding change: c.1488del on transcript NM_000283.4 (MANE Select); coding-DNA position 1488, one base deleted (C; older notation c.1488delC).
Protein change: p.Thr497fs; shifts the reading frame from threonine 497.
Molecular consequence: frameshift variant.
Genome position (GRCh38, 1-based): chr4:660,487, C deleted; the last of 3 consecutive C bases (chr4:660,485-660,487); deleting any one gives the same sequence. VCF-style (leftmost placement, unchanged base first): chr4-660484-GC-G. GRCh37 (hg19) VCF-style: chr4-654273-GC-G.
Other names: c.1488del, p.Thr497fs (NM_001145291.2); c.651del, p.Thr218fs (NM_001145292.2, NM_001350154.3, NM_001379246.1 and 1 more transcripts); c.333del, p.Thr112fs (NM_001350155.3); c.1488delC (NM_000283.4); short protein forms T112fs, T218fs, T497fs.
Identifiers: ClinVar variation 13105 (VCV000013105.3), dbSNP rs730880317, ClinGen allele CA256719.